The following is an entry in ClinVar:

NM_016366.3(CABP2):c.65C>A (p.Ser22Tyr)

Gene: CABP2 (calcium binding protein 2; minus strand). Cytogenetic location: 11q13.2.
Variant type: single nucleotide variant.
Coding change: c.65C>A on transcript NM_016366.3 (MANE Select); coding-DNA position 65, C replaced by A.
Protein change: p.Ser22Tyr; replaces serine 22 with tyrosine.
Molecular consequence: missense variant.
Genome position (GRCh38, 1-based): chr11:67,522,694, G>T on the plus strand (C>A on the coding strand, the complement: CABP2 is on the minus strand). VCF-style: chr11-67522694-G-T. GRCh37 (hg19) VCF-style: chr11-67290165-G-T.
Other names: c.79C>A, p.Pro27Thr (NM_001318496.2); short protein forms P27T, S22Y.
Identifiers: ClinVar variation 2662632 (VCV002662632.1), dbSNP rs995129646, ClinGen allele CA224145807.

ClinVar aggregate classification (germline): Uncertain significance (1 of 4 stars; one submission).

Allele frequency attached by ClinVar (database versions not stated): gnomAD 0.00001; TOPMed 0.00001.
gnomAD v4.1: 20 of 1,512,890 alleles (0.0013%); highest among the groups gnomAD compares: Non-Finnish European, 0.0017%; no homozygotes.

Submission:

GeneDx
Classification: Uncertain significance. Last evaluated: 2023-04-20. Review status: criteria provided, single submitter. Criteria: GeneDx Variant Classification Process June 2021. Collection method: clinical testing. Allele origin: germline. Affected: yes.
Comment: Not observed at significant frequency in large population cohorts (gnomAD); In silico analysis supports that this missense variant does not alter protein structure/function; Has not been previously published as pathogenic or benign to our knowledge